The following is an entry in ClinVar:

ClinVar aggregate classification (germline): Uncertain significance. Review status: criteria provided, single submitter (1 of 4 stars). 2 submissions from 2 submitters: Uncertain significance (1). 1 of the submissions does not count toward it. Last evaluated 2022-04-20.

Conditions:
Hermansky-Pudlak syndrome (HPS). Also called: ALBINISM WITH HEMORRHAGIC DIATHESIS AND PIGMENTED RETICULOENDOTHELIAL CELLS. Identifiers: Orphanet 79430, MedGen C0079504, MONDO:0019312.

Allele frequency attached by ClinVar (database versions not stated): gnomAD exomes 0.00002 and 0.00008; gnomAD 0.00003 and 0.00004; TOPMed 0.00006; ExAC 0.00011.
gnomAD v4.1: 39 of 1,612,478 alleles (0.0024%); highest among the groups gnomAD compares: East Asian, 0.063%; no homozygotes.

Submissions (2):

Labcorp Genetics (formerly Invitae), Labcorp
Classification: Uncertain significance. Last evaluated: 2022-04-20. Review status: criteria provided, single submitter. Criteria: Invitae Variant Classification Sherloc (09022015). Collection method: clinical testing. Allele origin: germline.
Comment: This sequence change replaces serine, which is neutral and polar, with leucine, which is neutral and non-polar, at codon 302 of the HPS3 protein (p.Ser302Leu). This variant is present in population databases (rs781327575, gnomAD 0.1%). This variant has not been reported in the literature in individuals affected with HPS3-related conditions. ClinVar contains an entry for this variant (Variation ID: 1059965). Algorithms developed to predict the effect of missense changes on protein structure and function are either unavailable or do not agree on the potential impact of this missense change (SIFT: "Tolerated"; PolyPhen-2: "Probably Damaging"; Align-GVGD: "Class C0"). In summary, the available evidence is currently insufficient to determine the role of this variant in disease. Therefore, it has been classified as a Variant of Uncertain Significance.

Natera, Inc.
Classification: Uncertain significance for Hermansky-Pudlak syndrome. Last evaluated: 2020-03-24. Review status: no assertion criteria provided. Collection method: clinical testing. Allele origin: germline. Not counted in ClinVar's aggregate classification.

NM_032383.5(HPS3):c.905C>T (p.Ser302Leu)

Gene: HPS3 (HPS3 biogenesis of lysosomal organelles complex 2 subunit 1; plus strand). Cytogenetic location: 3q24.
Variant type: single nucleotide variant.
Coding change: c.905C>T on transcript NM_032383.5 (MANE Select); coding-DNA position 905, C replaced by T.
Protein change: p.Ser302Leu; replaces serine 302 with leucine.
Molecular consequence: missense variant.
Genome position (GRCh38, 1-based): chr3:149,141,315, C>T. VCF-style: chr3-149141315-C-T. GRCh37 (hg19) VCF-style: chr3-148859102-C-T.
Other names: c.410C>T, p.Ser137Leu (NM_001308258.2); short protein forms S137L, S302L.
Identifiers: ClinVar variation 1059965 (VCV001059965.3), dbSNP rs781327575, ClinGen allele CA2659936.